The following is an entry in ClinVar:

NM_001524.1(HCRT):c.303A>T (p.Ala101=)

Gene: HCRT (hypocretin neuropeptide precursor; minus strand). Cytogenetic location: 17q21.2.
Variant type: single nucleotide variant.
Coding change: c.303A>T on transcript NM_001524.1 (MANE Select); coding-DNA position 303, A replaced by T.
Protein change: p.Ala101=; no amino-acid change (alanine 101 retained).
Molecular consequence: synonymous variant.
Genome position (GRCh38, 1-based): chr17:42,184,247, T>A on the plus strand (A>T on the coding strand, the complement: HCRT is on the minus strand). VCF-style: chr17-42184247-T-A. GRCh37 (hg19) VCF-style: chr17-40336265-T-A.
Identifiers: ClinVar variation 3033355 (VCV003033355.2), dbSNP rs2079922375, ClinGen allele CA500213848.

ClinVar aggregate classification (germline): Likely benign (0 of 4 stars; one submission).

Conditions:
HCRT-related disorder. Also called: HCRT-related condition.

Submission:

PreventionGenetics, part of Exact Sciences
Classification: Likely benign for HCRT-related condition. Last evaluated: 2020-10-05. Review status: no assertion criteria provided. Collection method: clinical testing. Allele origin: germline.
Comment: This variant is classified as likely benign based on ACMG/AMP sequence variant interpretation guidelines (Richards et al. 2015 PMID: 25741868, with internal and published modifications).